The following is an entry in ClinVar:

NM_001018115.3(FANCD2):c.1025G>A (p.Cys342Tyr)

Genes: FANCD2 (FA complementation group D2; plus strand), LOC107303338 (3p25 FANCD2 Alu-mediated recombination region; plus strand). Cytogenetic location: 3p25.3.
Variant type: single nucleotide variant.
Coding change: c.1025G>A on transcript NM_001018115.3 (MANE Select); coding-DNA position 1025, G replaced by A.
Protein change: p.Cys342Tyr; replaces cysteine 342 with tyrosine.
Molecular consequence: missense variant.
Genome position (GRCh38, 1-based): chr3:10,043,519, G>A. VCF-style: chr3-10043519-G-A. GRCh37 (hg19) VCF-style: chr3-10085203-G-A.
Other names: c.1025G>A, p.Cys342Tyr (NM_001319984.2, NM_001374253.1, NM_001374254.1 and 1 more transcripts); short protein forms C342Y.
Identifiers: ClinVar variation 4082430 (VCV004082430.3).
Genomic context (GRCh38, chr3:10,043,519, plus strand): 5'-TTTTTTTCCTCTCTGCTACTTGTAGTTCCTCAGGAAATCAAGAAAGCAGCGGTCAGAGCT[G>A]TATTATTCTCCTCTTTGATGTAATAAAGTCAGCTATTAGATATGAGAAAACCATTTCAGA-3'
Protein context (NP_001018125.1, residues 332-352): SGNQESSGQS[Cys342Tyr]IILLFDVIKS

ClinVar aggregate classification (germline): Uncertain significance. Review status: criteria provided, multiple submitters, no conflicts (2 of 4 stars). 2 submissions from 2 submitters: Uncertain significance (2). Last evaluated 2025-11-13.

Conditions:
Inborn genetic diseases. Identifiers: MedGen C0950123, MeSH D030342.

gnomAD v4.1: 3 of 1,613,896 alleles (0.00019%); highest among the groups gnomAD compares: African/African-American, 0.0027%; no homozygotes.

Submissions (2):

Ambry Genetics
Classification: Uncertain significance for Inborn genetic diseases. Last evaluated: 2025-11-13. Review status: criteria provided, single submitter. Criteria: Ambry Variant Classification Scheme 2023. Collection method: clinical testing. Allele origin: germline.

Genetic Services Laboratory, University of Chicago
Classification: Uncertain significance. Last evaluated: 2023-02-16. Review status: criteria provided, single submitter. Criteria: ACMG Guidelines, 2015. Collection method: clinical testing. Allele origin: germline. Affected: no.
Comment: DNA sequence analysis of the FANCD2 gene demonstrated a sequence change, c.1025G>A, in exon 13 that results in an amino acid change, p.Cys342Tyr. This sequence change does not appear to have been previously described in individuals with FANCD2-related disorders. This sequence change has been described in the gnomAD database with a frequency of 0.001% in the overall population (dbSNP rs185047839). The p.Cys342Tyr change affects a poorly conserved amino acid residue located in a domain of the FANCD2 protein that is known to be functional. The p.Cys342Tyr substitution appears to be benign using several in-silico pathogenicity prediction tools (SIFT, PolyPhen2, Align GVGD, REVEL). Due to insufficient evidence and the lack of functional studies, the clinical significance of the p.Cys342Tyr change remains unknown at this time.